The following is an entry in ClinVar:

ClinVar aggregate classification (germline): Likely benign (1 of 4 stars; one submission).

Allele frequency attached by ClinVar (database versions not stated): ExAC 0.00035; 1000 Genomes Project 30x 0.00094; 1000 Genomes Project 0.00120; ESP Exome Variant Server 0.00146.
gnomAD v4.1: 410 of 1,614,012 alleles (0.025%); highest among the groups gnomAD compares: African/African-American, 0.47%; 2 homozygotes.

Submission:

CeGaT Center for Human Genetics Tuebingen
Classification: Likely benign. Last evaluated: 2023-02-01. Review status: criteria provided, single submitter. Criteria: CeGaT Center For Human Genetics Tuebingen Variant Classification Criteria Version 2. Collection method: clinical testing. Allele origin: germline. Affected: yes. Observed: 1 variant allele.
Comment: CLASRP: BP4, BP7

NM_007056.3(CLASRP):c.564G>A (p.Ala188=)

Gene: CLASRP (CLK4 associating serine/arginine rich protein; plus strand). Cytogenetic location: 19q13.32.
Variant type: single nucleotide variant.
Coding change: c.564G>A on transcript NM_007056.3 (MANE Select); coding-DNA position 564, G replaced by A.
Protein change: p.Ala188=; no amino-acid change (alanine 188 retained).
Molecular consequence: synonymous variant. On other transcripts: non-coding transcript variant (1).
Genome position (GRCh38, 1-based): chr19:45,057,849, G>A. VCF-style: chr19-45057849-G-A. GRCh37 (hg19) VCF-style: chr19-45561107-G-A.
Other names: c.378G>A, p.Ala126= (NM_001278439.2).
Identifiers: ClinVar variation 2650092 (VCV002650092.24), dbSNP rs143800882, ClinGen allele CA9508150.
Genomic context (GRCh38, chr19:45,057,849, plus strand): 5'-GGACAGCACGGTGGCCGAGGTAGAGAAGGCGGCAGAAAAGCCAGAGGAGGAGGAGTCAGC[G>A]GCCGAGGAGGAGAGCAACTCGGACGAAGATGAGGTCATCCCCGACATCGGTGGGGTCCCC-3'
Protein context (NP_008987.2, residues 178-198): AAEKPEEEES[Ala188=]AEEESNSDED